The following is an entry in ClinVar:

NM_001999.4(FBN2):c.6063C>T (p.Val2021=)

Gene: FBN2 (fibrillin 2; minus strand). Cytogenetic location: 5q23.3.
Variant type: single nucleotide variant.
Coding change: c.6063C>T on transcript NM_001999.4 (MANE Select); coding-DNA position 6063, C replaced by T.
Protein change: p.Val2021=; no amino-acid change (valine 2021 retained).
Molecular consequence: synonymous variant.
Genome position (GRCh38, 1-based): chr5:128,300,920, G>A on the plus strand (C>T on the coding strand, the complement: FBN2 is on the minus strand). VCF-style: chr5-128300920-G-A. GRCh37 (hg19) VCF-style: chr5-127636612-G-A.
Identifiers: ClinVar variation 213242 (VCV000213242.17), dbSNP rs149380208, ClinGen allele CA321141.

ClinVar aggregate classification (germline): Benign/Likely benign. Review status: criteria provided, multiple submitters, no conflicts (2 of 4 stars). 5 submissions from 5 submitters: Benign (1); Likely benign (3). 1 of the submissions does not count toward it. Last evaluated 2025-12-17.

Conditions:
FBN2-related disorder. Also called: FBN2-related condition.
Familial thoracic aortic aneurysm and aortic dissection (TAAD). Also called: Thoracic aortic aneurysms and dissections. Identifiers: Orphanet 91387, MedGen C4707243, MONDO:0019625.
Congenital contractural arachnodactyly (CCA). Also called: BEALS SYNDROME; Beals-Hecht syndrome; Arthrogryposis, distal, type 9. Identifiers: Orphanet 115, MedGen C0220668, MONDO:0007363, OMIM 121050.

Allele frequency attached by ClinVar (database versions not stated): gnomAD exomes 0.00002 and 0.00006; gnomAD 0.00007 and 0.00009; ESP Exome Variant Server 0.00008; ExAC 0.00009; TOPMed 0.00014.
gnomAD v4.1: 39 of 1,613,408 alleles (0.0024%); highest among the groups gnomAD compares: African/African-American, 0.024%; 1 homozygote.

Submissions (5):

Labcorp Genetics (formerly Invitae), Labcorp
Classification: Likely benign for Congenital contractural arachnodactyly. Last evaluated: 2025-12-17. Review status: criteria provided, single submitter. Criteria: Invitae Variant Classification Sherloc (09022015). Collection method: clinical testing. Allele origin: germline.

Blueprint Genetics
Classification: Likely benign. Last evaluated: 2023-12-13. Review status: criteria provided, single submitter. Criteria: ACMG Guidelines, 2015. Collection method: clinical testing. Allele origin: germline.

Ambry Genetics
Classification: Likely benign for Familial thoracic aortic aneurysm and aortic dissection. Last evaluated: 2018-06-18. Review status: criteria provided, single submitter. Criteria: Ambry Variant Classification Scheme 2023. Collection method: clinical testing. Allele origin: germline.

GeneDx
Classification: Benign. Last evaluated: 2014-08-22. Review status: criteria provided, single submitter. Criteria: GeneDx Variant Classification (06012015). Collection method: clinical testing. Allele origin: germline. Affected: yes.
Comment: This variant is considered likely benign or benign based on one or more of the following criteria: it is a conservative change, it occurs at a poorly conserved position in the protein, it is predicted to be benign by multiple in silico algorithms, and/or has population frequency not consistent with disease.

PreventionGenetics, part of Exact Sciences
Classification: Likely benign for FBN2-related condition. Last evaluated: 2019-05-02. Review status: no assertion criteria provided. Collection method: clinical testing. Allele origin: germline. Not counted in ClinVar's aggregate classification.
Comment: This variant is classified as likely benign based on ACMG/AMP sequence variant interpretation guidelines (Richards et al. 2015 PMID: 25741868, with internal and published modifications).